The following is an entry in ClinVar:

NM_001164277.2(SLC37A4):c.1124+4A>C

Gene: SLC37A4 (solute carrier family 37 member 4; minus strand). Cytogenetic location: 11q23.3.
Variant type: single nucleotide variant.
Coding change: c.1124+4A>C on transcript NM_001164277.2 (MANE Select); 4 bases into the intron after coding-DNA position 1124, A replaced by C.
Molecular consequence: intron variant.
Genome position (GRCh38, 1-based): chr11:119,025,187, T>G on the plus strand (A>C on the coding strand, the complement: SLC37A4 is on the minus strand). VCF-style: chr11-119025187-T-G. GRCh37 (hg19) VCF-style: chr11-118895897-T-G.
Other names: c.905+4A>C (NM_001164279.2); c.1124+4A>C (NM_001467.6, NM_001164280.2); c.1190+4A>C (NM_001164278.2).
Identifiers: ClinVar variation 2816215 (VCV002816215.3), dbSNP rs1555190440, ClinGen allele CA2003748383.

ClinVar aggregate classification (germline): Uncertain significance (1 of 4 stars; one submission).

Conditions:
Glucose-6-phosphate transport defect (GSD1B). Also called: GSD Ib; Glycogen Storage Disease Type Ib. Identifiers: Orphanet 364, Orphanet 79259, MedGen C0268146, MONDO:0009288, OMIM 232220.

Allele frequency attached by ClinVar (database versions not stated): TOPMed below 0.00001.

Submission:

Labcorp Genetics (formerly Invitae), Labcorp
Classification: Uncertain significance for Glucose-6-phosphate transport defect. Last evaluated: 2022-11-24. Review status: criteria provided, single submitter. Criteria: Invitae Variant Classification Sherloc (09022015). Collection method: clinical testing. Allele origin: germline.
Comment: Variants that disrupt the consensus splice site are a relatively common cause of aberrant splicing (PMID: 17576681, 9536098). Algorithms developed to predict the effect of sequence changes on RNA splicing suggest that this variant is not likely to affect RNA splicing. This sequence change falls in intron 9 of the SLC37A4 gene. It does not directly change the encoded amino acid sequence of the SLC37A4 protein. It affects a nucleotide within the consensus splice site. This variant is not present in population databases (gnomAD no frequency). This variant has not been reported in the literature in individuals affected with SLC37A4-related conditions. In summary, the available evidence is currently insufficient to determine the role of this variant in disease. Therefore, it has been classified as a Variant of Uncertain Significance.

Literature cited by the submitters: PubMed 17576681; PubMed 9536098.